The following is an entry in ClinVar:

NM_001458.5(FLNC):c.2390-8C>G

Gene: FLNC (filamin C; plus strand). Cytogenetic location: 7q32.1.
Variant type: single nucleotide variant.
Coding change: c.2390-8C>G on transcript NM_001458.5 (MANE Select); 8 bases into the intron before coding-DNA position 2390, C replaced by G.
Molecular consequence: intron variant.
Genome position (GRCh38, 1-based): chr7:128,842,786, C>G. VCF-style: chr7-128842786-C-G. GRCh37 (hg19) VCF-style: chr7-128482840-C-G.
Other names: p.?; c.2390-8C>G (NM_001127487.2).
Identifiers: ClinVar variation 287352 (VCV000287352.57), dbSNP rs146063718, ClinGen allele CA4474719.

ClinVar aggregate classification (germline): Conflicting classifications of pathogenicity. Review status: criteria provided, conflicting classifications (1 of 4 stars). 11 submissions from 11 submitters: Uncertain significance (1); Benign (3); Likely benign (6). 1 of the submissions does not count toward it. Last evaluated 2026-08-01.

Conditions:
Cardiomyopathy (CMYO). Also called: Cardiomyopathies. Identifiers: Orphanet 167848, MedGen C0878544, MONDO:0004994, HP:0001638. Inheritance: Various modes of inheritance.
FLNC-related disorder. Also called: FLNC-related condition; FLNC-related disorders.
Myofibrillar myopathy 5. Also called: Filaminopathy (type); FILAMINOPATHY, AUTOSOMAL DOMINANT. Identifiers: Orphanet 171445, MedGen C1836050, MONDO:0012289, OMIM 609524.
Distal myopathy with posterior leg and anterior hand involvement. Also called: WILLIAMS DISTAL MYOPATHY. Identifiers: Orphanet 63273, MedGen C3279722, MONDO:0013550, OMIM 614065.
Hypertrophic cardiomyopathy 26. Also called: Cardiomyopathy, familial hypertrophic, 26. Identifiers: Orphanet 75249, MedGen C4310749, MONDO:0014883, OMIM 617047.

Allele frequency attached by ClinVar (database versions not stated): ESP Exome Variant Server 0.00024; TOPMed 0.00026; 1000 Genomes Project 30x 0.00031; gnomAD 0.00057.
gnomAD v4.1: 683 of 1,613,326 alleles (0.042%); highest among the groups gnomAD compares: Non-Finnish European, 0.042%; no homozygotes.

Submissions (11):

CeGaT Center for Human Genetics Tuebingen
Classification: Likely benign. Last evaluated: 2026-08-01. Review status: criteria provided, single submitter. Criteria: CeGaT Center For Human Genetics Tuebingen Variant Classification Criteria Version 2. Collection method: clinical testing. Allele origin: germline. Affected: yes. Observed: 12 variant alleles.
Comment: FLNC: BP4

Labcorp Genetics (formerly Invitae), Labcorp
Classification: Benign for Distal myopathy with posterior leg and anterior hand involvement; Myofibrillar myopathy 5; Hypertrophic cardiomyopathy 26. Last evaluated: 2026-01-26. Review status: criteria provided, single submitter. Criteria: Invitae Variant Classification Sherloc (09022015). Collection method: clinical testing. Allele origin: germline.

Laboratory of Genetics, Children's Clinical University Hospital Latvia
Classification: Likely benign. Last evaluated: 2025-02-16. Review status: criteria provided, single submitter. Criteria: ACMG Guidelines, 2015. Collection method: clinical testing. Allele origin: germline. Affected: yes.

Women's Health and Genetics/Laboratory Corporation of America, LabCorp
Classification: Benign. Last evaluated: 2025-02-03. Review status: criteria provided, single submitter. Criteria: LabCorp Variant Classification Summary - May 2015. Collection method: clinical testing. Allele origin: germline.

Mayo Clinic Laboratories, Mayo Clinic
Classification: Likely benign. Last evaluated: 2025-01-20. Review status: criteria provided, single submitter. Criteria: ACMG Guidelines, 2015. Collection method: clinical testing. Allele origin: germline. Observed: 1 variant allele.
Comment: BS1, BP4, BP7

Blueprint Genetics
Classification: Likely benign. Last evaluated: 2024-11-18. Review status: criteria provided, single submitter. Criteria: ACMG Guidelines, 2015. Collection method: clinical testing. Allele origin: germline.

ARUP Laboratories, Molecular Genetics and Genomics, ARUP Laboratories
Classification: Likely benign. Last evaluated: 2023-12-22. Review status: criteria provided, single submitter. Criteria: ARUP Molecular Germline Variant Investigation Process 2024. Collection method: clinical testing. Allele origin: germline.

CHEO Genetics Diagnostic Laboratory, Children's Hospital of Eastern Ontario
Classification: Benign for Cardiomyopathy. Last evaluated: 2021-09-02. Review status: criteria provided, single submitter. Criteria: ACMG Guidelines, 2015. Collection method: clinical testing. Allele origin: germline.

GeneDx
Classification: Likely benign. Last evaluated: 2017-06-02. Review status: criteria provided, single submitter. Criteria: GeneDx Variant Classification (06012015). Collection method: clinical testing. Allele origin: germline. Affected: yes.
Comment: This variant is considered likely benign or benign based on one or more of the following criteria: it is a conservative change, it occurs at a poorly conserved position in the protein, it is predicted to be benign by multiple in silico algorithms, and/or has population frequency not consistent with disease.

Eurofins Ntd Llc (ga)
Classification: Uncertain significance. Last evaluated: 2016-05-18. Review status: criteria provided, single submitter. Criteria: EGL Classification Definitions 2015. Collection method: clinical testing. Allele origin: germline. Observed: 1 variant allele, 1 heterozygote.

PreventionGenetics, part of Exact Sciences
Classification: Likely benign for FLNC-related condition. Last evaluated: 2020-09-01. Review status: no assertion criteria provided. Collection method: clinical testing. Allele origin: germline. Not counted in ClinVar's aggregate classification.
Comment: This variant is classified as likely benign based on ACMG/AMP sequence variant interpretation guidelines (Richards et al. 2015 PMID: 25741868, with internal and published modifications).